The following is an entry in ClinVar:

NM_006364.4(SEC23A):c.227T>C (p.Val76Ala)

Gene: SEC23A (SEC23 homolog A, COPII component; minus strand). Cytogenetic location: 14q21.1.
Variant type: single nucleotide variant.
Coding change: c.227T>C on transcript NM_006364.4 (MANE Select); coding-DNA position 227, T replaced by C.
Protein change: p.Val76Ala; replaces valine 76 with alanine.
Molecular consequence: missense variant.
Genome position (GRCh38, 1-based): chr14:39,093,239, A>G on the plus strand (T>C on the coding strand, the complement: SEC23A is on the minus strand). VCF-style: chr14-39093239-A-G. GRCh37 (hg19) VCF-style: chr14-39562443-A-G.
Other names: short protein forms V76A.
Identifiers: ClinVar variation 2201277 (VCV002201277.4), dbSNP rs765972767, ClinGen allele CA7162203.

ClinVar aggregate classification (germline): Uncertain significance (1 of 4 stars; one submission).

Conditions:
Craniolenticulosutural dysplasia (CLSD). Also called: BOYADJIEV-JABS SYNDROME. Identifiers: Orphanet 50814, MedGen C1843042, MONDO:0011911, OMIM 607812.

Allele frequency attached by ClinVar (database versions not stated): ExAC 0.00001.

Submission:

Labcorp Genetics (formerly Invitae), Labcorp
Classification: Uncertain significance for Craniolenticulosutural dysplasia. Last evaluated: 2022-09-20. Review status: criteria provided, single submitter. Criteria: Invitae Variant Classification Sherloc (09022015). Collection method: clinical testing. Allele origin: germline.
Comment: In summary, the available evidence is currently insufficient to determine the role of this variant in disease. Therefore, it has been classified as a Variant of Uncertain Significance. Advanced modeling of protein sequence and biophysical properties (such as structural, functional, and spatial information, amino acid conservation, physicochemical variation, residue mobility, and thermodynamic stability) performed at Invitae indicates that this missense variant is not expected to disrupt SEC23A protein function. This variant has not been reported in the literature in individuals affected with SEC23A-related conditions. This variant is present in population databases (rs765972767, gnomAD 0.0009%). This sequence change replaces valine, which is neutral and non-polar, with alanine, which is neutral and non-polar, at codon 76 of the SEC23A protein (p.Val76Ala).